The following is an entry in ClinVar:

ClinVar aggregate classification (germline): Uncertain significance (1 of 4 stars; one submission).

Conditions:
Fanconi anemia complementation group E (FANCE). Also called: FANCE-Related Fanconi Anemia. Identifiers: Orphanet 84, MedGen C3160739, MONDO:0010953, OMIM 600901.

gnomAD v4.1: 4 of 1,256,972 alleles (0.00032%); highest among the groups gnomAD compares: Non-Finnish European, 0.0004%; no homozygotes.

Submission:

Labcorp Genetics (formerly Invitae), Labcorp
Classification: Uncertain significance for Fanconi anemia complementation group E. Last evaluated: 2021-10-25. Review status: criteria provided, single submitter. Criteria: Invitae Variant Classification Sherloc (09022015). Collection method: clinical testing. Allele origin: germline.
Comment: This sequence change replaces alanine with glutamic acid at codon 32 of the FANCE protein (p.Ala32Glu). The alanine residue is moderately conserved and there is a moderate physicochemical difference between alanine and glutamic acid. The frequency data for this variant in the population databases is considered unreliable, as metrics indicate insufficient coverage at this position in the ExAC database. This variant has not been reported in the literature in individuals affected with FANCE-related conditions. Algorithms developed to predict the effect of missense changes on protein structure and function are either unavailable or do not agree on the potential impact of this missense change (SIFT: "Deleterious"; PolyPhen-2: "Possibly Damaging"; Align-GVGD: "Class C0"). In summary, the available evidence is currently insufficient to determine the role of this variant in disease. Therefore, it has been classified as a Variant of Uncertain Significance.

NM_021922.3(FANCE):c.95C>A (p.Ala32Glu)

Genes: FANCE (FA complementation group E; plus strand), LOC129996245 (ATAC-STARR-seq lymphoblastoid silent region 17092; plus strand). Cytogenetic location: 6p21.31.
Variant type: single nucleotide variant.
Coding change: c.95C>A on transcript NM_021922.3 (MANE Select); coding-DNA position 95, C replaced by A.
Protein change: p.Ala32Glu; replaces alanine 32 with glutamic acid.
Molecular consequence: missense variant.
Genome position (GRCh38, 1-based): chr6:35,452,640, C>A. VCF-style: chr6-35452640-C-A. GRCh37 (hg19) VCF-style: chr6-35420417-C-A.
Other names: short protein forms A32E.
Identifiers: ClinVar variation 1018160 (VCV001018160.4), dbSNP rs924383249, ClinGen allele CA137292325.
Genomic context (GRCh38, chr6:35,452,640, plus strand): 5'-AGGGCGTGGAGCCGGCGCCCTGGGCGCAGCTGGAGGCCCCCGCCCGCCTCCTGCTGCAGG[C>A]GCTGCAGGCGGGGCCTGAGGGGGCGCGGCGCGGCCTGGGGGTGCTCCGGGCGCTGGGCAG-3'
Protein context (NP_068741.1, residues 22-42): LEAPARLLLQ[Ala32Glu]LQAGPEGARR